The following is an entry in ClinVar:

ClinVar aggregate classification (germline): Uncertain significance. Review status: criteria provided, multiple submitters, no conflicts (2 of 4 stars). 2 submissions from 2 submitters: Uncertain significance (2). Last evaluated 2025-08-28.

Conditions:
SLC51B-related disorder. Also called: SLC51B-related condition.

Submissions (2):

PreventionGenetics, part of Exact Sciences
Classification: Uncertain significance for SLC51B-related condition. Last evaluated: 2025-08-28. Review status: criteria provided, single submitter. Criteria: ACMG Guidelines, 2015. Collection method: clinical testing. Allele origin: germline.
Comment: The SLC51B c.332_335delAAGA variant is predicted to result in a frameshift and premature protein termination (p.Lys111Argfs*31). To our knowledge, this variant has not been reported in the literature. This variant is reported in 0.00088% of alleles in individuals of European (Non-Finnish) descent in gnomAD. Although this variant results in a frameshift that will disrupt the c-terminal amino acids of the SLC51B protein, it is not expected to undergo nonsense mediated decay and the functional impact of this variant is unknown. At this time, the clinical significance of this variant is uncertain due to the absence of conclusive functional and genetic evidence.

Labcorp Genetics (formerly Invitae), Labcorp
Classification: Uncertain significance. Last evaluated: 2025-08-07. Review status: criteria provided, single submitter. Criteria: Invitae Variant Classification Sherloc (09022015). Collection method: clinical testing. Allele origin: germline.
Comment: This sequence change is expected to alter the c-terminus of the SLC51B protein (p.Lys111Argfs*31). While this is not anticipated to result in nonsense mediated decay, it is expected to disrupt the last 18 amino acid(s) of the SLC51B protein and extend the protein by 12 additional amino acid residues. This variant is not present in population databases (gnomAD no frequency). This variant has not been reported in the literature in individuals affected with SLC51B-related conditions. ClinVar contains an entry for this variant (Variation ID: 1972067). Experimental studies and prediction algorithms are not available or were not evaluated, and the functional significance of this variant is currently unknown. In summary, the available evidence is currently insufficient to determine the role of this variant in disease. Therefore, it has been classified as a Variant of Uncertain Significance.

NM_178859.4(SLC51B):c.332_335del (p.Lys111fs)

Genes: SLC51B (SLC51 subunit beta; plus strand), RASL12 (RAS like family 12; minus strand). Cytogenetic location: 15q22.31.
Variant type: Deletion.
Coding change: c.332_335del on transcript NM_178859.4 (MANE Select); coding-DNA positions 332 to 335, 4 bases deleted (AAGA; older notation c.332_335delAAGA).
Protein change: p.Lys111fs; shifts the reading frame from lysine 111.
Molecular consequence: frameshift variant.
Genome position (GRCh38, 1-based): chr15:65,053,109-65,053,112, AAGA deleted; deleting any 4 consecutive bases within chr15:65,053,108-65,053,112 gives the same sequence; the c. name uses the placement nearest the transcript's 3' end. VCF-style (leftmost placement, unchanged base first): chr15-65053107-AAAAG-A. GRCh37 (hg19) VCF-style: chr15-65345445-AAAAG-A.
Other names: c.332_335delAAGA (NM_178859.3); short protein forms K111fs.
Identifiers: ClinVar variation 1972067 (VCV001972067.6), dbSNP rs770073689, ClinGen allele CA7613527.
Genomic context (GRCh38, chr15:65,053,107, plus strand): 5'-CAACCTAAGAGAAACTTTGCTCTCAGAAAAGCCAAACTTGGCCCAGGTGGAACTTGAGTT[AAAAG>A]AGAGAGATGTGCTGTCAGTTTTCCTTCCGGATGTACCAGAAACTGAGAGCTAGTGAGGGT-3'